The following is an entry in ClinVar:

NM_016507.4(CDK12):c.1385T>C (p.Leu462Pro)

Gene: CDK12 (cyclin dependent kinase 12; plus strand). Cytogenetic location: 17q12.
Variant type: single nucleotide variant.
Coding change: c.1385T>C on transcript NM_016507.4 (MANE Select); coding-DNA position 1385, T replaced by C.
Protein change: p.Leu462Pro; replaces leucine 462 with proline.
Molecular consequence: missense variant.
Genome position (GRCh38, 1-based): chr17:39,471,217, T>C. VCF-style: chr17-39471217-T-C. GRCh37 (hg19) VCF-style: chr17-37627470-T-C.
Other names: c.1385T>C, p.Leu462Pro (NM_015083.4); short protein forms L462P.
Identifiers: ClinVar variation 4224373 (VCV004224373.1).

ClinVar aggregate classification (germline): Uncertain significance (1 of 4 stars; one submission).

Submission:

Ambry Genetics
Classification: Uncertain significance. Last evaluated: 2025-08-10. Review status: criteria provided, single submitter. Criteria: Ambry Variant Classification Scheme 2023. Collection method: clinical testing. Allele origin: germline.
Comment: The p.L462P variant (also known as c.1385T>C), located in coding exon 2 of the CDK12 gene, results from a T to C substitution at nucleotide position 1385. The leucine at codon 462 is replaced by proline, an amino acid with similar properties. This amino acid position is conserved. In addition, this alteration is predicted to be tolerated by in silico analysis. Based on the available evidence, the clinical significance of this variant remains unclear.